The following is an entry in ClinVar:

NM_014754.3(PTDSS1):c.1209T>G (p.Ile403Met)

Gene: PTDSS1 (phosphatidylserine synthase 1; plus strand). Cytogenetic location: 8q22.1.
Variant type: single nucleotide variant.
Coding change: c.1209T>G on transcript NM_014754.3 (MANE Select); coding-DNA position 1209, T replaced by G.
Protein change: p.Ile403Met; replaces isoleucine 403 with methionine.
Molecular consequence: missense variant.
Genome position (GRCh38, 1-based): chr8:96,330,248, T>G. VCF-style: chr8-96330248-T-G. GRCh37 (hg19) VCF-style: chr8-97342476-T-G.
Other names: c.771T>G, p.Ile257Met (NM_001290225.2); short protein forms I257M, I403M.
Identifiers: ClinVar variation 2621613 (VCV002621613.3), dbSNP rs564223313, ClinGen allele CA4816774.

ClinVar aggregate classification (germline): Conflicting classifications of pathogenicity. Review status: criteria provided, conflicting classifications (1 of 4 stars). 2 submissions from 2 submitters: Uncertain significance (1); Likely benign (1). Last evaluated 2025-12-16.

Conditions:
Inborn genetic diseases. Identifiers: MedGen C0950123, MeSH D030342.

Allele frequency attached by ClinVar (database versions not stated): gnomAD exomes 0.00001; TOPMed 0.00001; gnomAD 0.00002; ExAC 0.00007; 1000 Genomes Project 30x 0.00016; 1000 Genomes Project 0.00020.
gnomAD v4.1: 20 of 1,612,866 alleles (0.0012%); highest among the groups gnomAD compares: South Asian, 0.019%; no homozygotes.

Submissions (2):

Labcorp Genetics (formerly Invitae), Labcorp
Classification: Uncertain significance. Last evaluated: 2025-12-16. Review status: criteria provided, single submitter. Criteria: Invitae Variant Classification Sherloc (09022015). Collection method: clinical testing. Allele origin: germline.
Comment: This sequence change replaces isoleucine, which is neutral and non-polar, with methionine, which is neutral and non-polar, at codon 403 of the PTDSS1 protein (p.Ile403Met). This variant is present in population databases (rs564223313, gnomAD 0.04%), and has an allele count higher than expected for a pathogenic variant. This variant has not been reported in the literature in individuals affected with PTDSS1-related conditions. ClinVar contains an entry for this variant (Variation ID: 2621613). Invitae Evidence Modeling of protein sequence and biophysical properties (such as structural, functional, and spatial information, amino acid conservation, physicochemical variation, residue mobility, and thermodynamic stability) indicates that this missense variant is not expected to disrupt PTDSS1 protein function with a negative predictive value of 80%. In summary, the available evidence is currently insufficient to determine the role of this variant in disease. Therefore, it has been classified as a Variant of Uncertain Significance.

Ambry Genetics
Classification: Likely benign for Inborn genetic diseases. Last evaluated: 2023-08-28. Review status: criteria provided, single submitter. Criteria: Ambry Variant Classification Scheme 2023. Collection method: clinical testing. Allele origin: germline.